The following is an entry in ClinVar:

ClinVar aggregate classification (germline): Uncertain significance (1 of 4 stars; one submission).

Conditions:
Hereditary cancer-predisposing syndrome. Also called: Hereditary Cancer Syndrome; Neoplastic Syndromes, Hereditary; Tumor predisposition; Hereditary neoplastic syndrome. Identifiers: Orphanet 140162, MedGen C0027672, MeSH D009386, MONDO:0015356.

Submission:

Ambry Genetics
Classification: Uncertain significance for Hereditary cancer-predisposing syndrome. Last evaluated: 2021-06-11. Review status: criteria provided, single submitter. Criteria: Ambry Variant Classification Scheme 2023. Collection method: clinical testing. Allele origin: germline.
Comment: The p.S1613R variant (also known as c.4837A>C), located in coding exon 14 of the BRCA1 gene, results from an A to C substitution at nucleotide position 4837. The serine at codon 1613 is replaced by arginine, an amino acid with dissimilar properties. This amino acid position is not well conserved in available vertebrate species. In addition, the in silico prediction for this alteration is inconclusive. Since supporting evidence is limited at this time, the clinical significance of this alteration remains unclear.

NM_007294.4(BRCA1):c.4837A>C (p.Ser1613Arg)

Gene: BRCA1 (BRCA1 DNA repair associated; minus strand). Cytogenetic location: 17q21.31.
Variant type: single nucleotide variant.
Coding change: c.4837A>C on transcript NM_007294.4 (MANE Select); coding-DNA position 4837, A replaced by C.
Protein change: p.Ser1613Arg; replaces serine 1613 with arginine.
Molecular consequence: missense variant. On other transcripts: non-coding transcript variant (1).
Genome position (GRCh38, 1-based): chr17:43,071,077, T>G on the plus strand (A>C on the coding strand, the complement: BRCA1 is on the minus strand). VCF-style: chr17-43071077-T-G. GRCh37 (hg19) VCF-style: chr17-41223094-T-G.
Other names: c.4627A>C, p.Ser1543Arg (NM_001407879.1, NM_001407881.1, NM_001407886.1 and 5 more transcripts); c.4753A>C, p.Ser1585Arg (NM_001407661.1, NM_001407662.1, NM_001407663.1 and 2 more transcripts); c.4714A>C, p.Ser1572Arg (NM_001407664.1, NM_001407665.1, NM_001407666.1 and 6 more transcripts); c.4711A>C, p.Ser1571Arg (NM_001407670.1, NM_001407671.1, NM_001407672.1 and 11 more transcripts); c.4708A>C, p.Ser1570Arg (NM_001407681.1, NM_001407682.1, NM_001407683.1 and 6 more transcripts); c.4837A>C, p.Ser1613Arg (NM_001407684.1, NM_001407854.1, NM_001407593.1 and 8 more transcripts); c.4705A>C, p.Ser1569Arg (NM_001407690.1, NM_001407691.1); c.4696A>C, p.Ser1566Arg (NM_001407692.1, NM_001407694.1, NM_001407695.1 and 13 more transcripts); and 70 more; short protein forms S1459R, S1484R, S1486R, S1524R, S1546R, S1570R, S1585R, S1587R.
Identifiers: ClinVar variation 1743457 (VCV001743457.2), dbSNP rs1799966, ClinGen allele CA10591849.
Genomic context (GRCh38, chr17:43,071,077, plus strand): 5'-TCACACTTTCTTCCATTGCATTATACCCAGCAGTATCAGTAGTATGAGCAGCAGCTGGAC[T>G]CTGGGCAGATTCTGCAACTTTCAATTGGGGAACTTTCAATGCAGAGGTTGAAGATGGTAT-3'
Protein context (NP_009225.1, residues 1603-1623): PQLKVAESAQ[Ser1613Arg]PAAAHTTDTA